The following is an entry in ClinVar:

NM_000051.4(ATM):c.663-2A>T

Gene: ATM (ATM serine/threonine kinase; plus strand). Cytogenetic location: 11q22.3.
Variant type: single nucleotide variant.
Coding change: c.663-2A>T on transcript NM_000051.4 (MANE Select); the canonical splice acceptor site of the intron before coding-DNA position 663, A replaced by T.
Molecular consequence: splice acceptor variant.
Genome position (GRCh38, 1-based): chr11:108,244,786, A>T. VCF-style: chr11-108244786-A-T. GRCh37 (hg19) VCF-style: chr11-108115513-A-T.
Other names: c.663-2A>T (NM_001351834.2).
Identifiers: ClinVar variation 2806371 (VCV002806371.3), dbSNP rs886041931, ClinGen allele CA382528874.

ClinVar aggregate classification (germline): Likely pathogenic (1 of 4 stars; one submission).

Conditions:
Ataxia-telangiectasia syndrome (AT). Also called: Ataxia-telangiectasia, complementation group E; ATAXIA-TELANGIECTASIA, COMPLEMENTATION GROUP A; ATAXIA-TELANGIECTASIA, FRESNO VARIANT; Ataxia-telangiectasia; LOUIS-BAR SYNDROME; Ataxia-telangiectasia, complementation group D. Identifiers: Orphanet 100, MedGen C0004135, MONDO:0008840, OMIM 208900.

Submission:

Labcorp Genetics (formerly Invitae), Labcorp
Classification: Likely pathogenic for Ataxia-telangiectasia syndrome. Last evaluated: 2023-11-17. Review status: criteria provided, single submitter. Criteria: Invitae Variant Classification Sherloc (09022015). Collection method: clinical testing. Allele origin: germline.
Comment: This sequence change affects an acceptor splice site in intron 6 of the ATM gene. It is expected to disrupt RNA splicing. Variants that disrupt the donor or acceptor splice site typically lead to a loss of protein function (PMID: 16199547), and loss-of-function variants in ATM are known to be pathogenic (PMID: 23807571, 25614872). This variant is not present in population databases (gnomAD no frequency). This variant has not been reported in the literature in individuals affected with ATM-related conditions. Algorithms developed to predict the effect of sequence changes on RNA splicing suggest that this variant may disrupt the consensus splice site. In summary, the currently available evidence indicates that the variant is pathogenic, but additional data are needed to prove that conclusively. Therefore, this variant has been classified as Likely Pathogenic.

Literature cited by the submitters: PubMed 16199547; PubMed 23807571; PubMed 25614872.